The following is an entry in ClinVar:

NM_000553.6(WRN):c.2482A>G (p.Ile828Val)

Gene: WRN (WRN RecQ like helicase; plus strand). Cytogenetic location: 8p12.
Variant type: single nucleotide variant.
Coding change: c.2482A>G on transcript NM_000553.6 (MANE Select); coding-DNA position 2482, A replaced by G.
Protein change: p.Ile828Val; replaces isoleucine 828 with valine.
Molecular consequence: missense variant.
Genome position (GRCh38, 1-based): chr8:31,120,276, A>G. VCF-style: chr8-31120276-A-G. GRCh37 (hg19) VCF-style: chr8-30977792-A-G.
Other names: short protein forms I828V.
Identifiers: ClinVar variation 645116 (VCV000645116.7), dbSNP rs1585483118, ClinGen allele CA370915262.

ClinVar aggregate classification (germline): Uncertain significance (1 of 4 stars; one submission).

Conditions:
Werner syndrome (WRN). Identifiers: Orphanet 902, MedGen C0043119, MONDO:0010196, OMIM 277700.

Allele frequency attached by ClinVar (database versions not stated): gnomAD exomes below 0.00001.
gnomAD v4.1: 2 of 1,612,960 alleles (0.00012%); highest among the groups gnomAD compares: Non-Finnish European, 0.000085%; no homozygotes.

Submission:

Labcorp Genetics (formerly Invitae), Labcorp
Classification: Uncertain significance for Werner syndrome. Last evaluated: 2024-04-15. Review status: criteria provided, single submitter. Criteria: Invitae Variant Classification Sherloc (09022015). Collection method: clinical testing. Allele origin: germline.
Comment: This sequence change replaces isoleucine, which is neutral and non-polar, with valine, which is neutral and non-polar, at codon 828 of the WRN protein (p.Ile828Val). This variant is not present in population databases (gnomAD no frequency). This variant has not been reported in the literature in individuals affected with WRN-related conditions. ClinVar contains an entry for this variant (Variation ID: 645116). An algorithm developed to predict the effect of missense changes on protein structure and function (PolyPhen-2) suggests that this variant is likely to be disruptive. In summary, the available evidence is currently insufficient to determine the role of this variant in disease. Therefore, it has been classified as a Variant of Uncertain Significance.